The following is an entry in ClinVar:

ClinVar aggregate classification (germline): Uncertain significance (1 of 4 stars; one submission).

Submission:

Laboratorio de Genetica e Diagnostico Molecular, Hospital Israelita Albert Einstein
Classification: Uncertain significance. Last evaluated: 2021-02-23. Review status: criteria provided, single submitter. Criteria: ACMG Guidelines, 2015. Collection method: clinical testing. Allele origin: germline. Affected: yes.
Comment: ACMG classification criteria: PM2, BP4

NM_001378457.1(DMXL2):c.8291C>T (p.Ser2764Phe)

Gene: DMXL2 (Dmx like 2; minus strand). Cytogenetic location: 15q21.2.
Variant type: single nucleotide variant.
Coding change: c.8291C>T on transcript NM_001378457.1 (MANE Select); coding-DNA position 8291, C replaced by T.
Protein change: p.Ser2764Phe; replaces serine 2764 with phenylalanine.
Molecular consequence: missense variant. On other transcripts: non-coding transcript variant (2).
Genome position (GRCh38, 1-based): chr15:51,457,374, G>A on the plus strand (C>T on the coding strand, the complement: DMXL2 is on the minus strand). VCF-style: chr15-51457374-G-A. GRCh37 (hg19) VCF-style: chr15-51749571-G-A.
Other names: c.8228C>T, p.Ser2743Phe (NM_001174116.3); c.6317C>T, p.Ser2106Phe (NM_001174117.3); c.8288C>T, p.Ser2763Phe (NM_001378458.1); c.8003C>T, p.Ser2668Phe (NM_001378459.1); c.6206C>T, p.Ser2069Phe (NM_001378460.1); c.8225C>T, p.Ser2742Phe (NM_015263.5); short protein forms S2069F, S2106F, S2668F, S2742F, S2743F, S2763F, S2764F.
Identifiers: ClinVar variation 1691004 (VCV001691004.2), dbSNP rs2141216461, ClinGen allele CA392436216.
Genomic context (GRCh38, chr15:51,457,374, plus strand): 5'-AGTAAATAACATACCACACTAGCTCCAGTGCTAGTCTGTCCAGTGCCCAGCCATGGCAGA[G>A]ATGAAGGTGGATGCACCTGACTTGCTGAATAGGATGTTGCACTGGGTTGATAAAGAGTTG-3'
Protein context (NP_001365386.1, residues 2754-2774): YSASQVHPPS[Ser2764Phe]LPWLGTGQTS